The following is an entry in ClinVar:

NM_032608.7(MYO18B):c.5179C>T (p.Arg1727Trp)

Gene: MYO18B (myosin XVIIIB; plus strand). Cytogenetic location: 22q12.1.
Variant type: single nucleotide variant.
Coding change: c.5179C>T on transcript NM_032608.7 (MANE Select); coding-DNA position 5179, C replaced by T.
Protein change: p.Arg1727Trp; replaces arginine 1727 with tryptophan.
Molecular consequence: missense variant.
Genome position (GRCh38, 1-based): chr22:25,908,352, C>T. VCF-style: chr22-25908352-C-T. GRCh37 (hg19) VCF-style: chr22-26304319-C-T.
Other names: c.5179C>T (NM_032608.5); c.5182C>T, p.Arg1728Trp (NM_001318245.2); short protein forms R1727W, R1728W.
Identifiers: ClinVar variation 1925091 (VCV001925091.4), dbSNP rs770441349, ClinGen allele CA10161092.

ClinVar aggregate classification (germline): Uncertain significance. Review status: criteria provided, multiple submitters, no conflicts (2 of 4 stars). 3 submissions from 3 submitters: Uncertain significance (3). Last evaluated 2025-09-24.

Conditions:
Inborn genetic diseases. Identifiers: MedGen C0950123, MeSH D030342.

Allele frequency attached by ClinVar (database versions not stated): ExAC 0.00002.
gnomAD v4.1: 22 of 1,597,692 alleles (0.0014%); highest among the groups gnomAD compares: Admixed American, 0.014%; no homozygotes.

Submissions (3):

Ambry Genetics
Classification: Uncertain significance for Inborn genetic diseases. Last evaluated: 2025-09-24. Review status: criteria provided, single submitter. Criteria: Ambry Variant Classification Scheme 2023. Collection method: clinical testing. Allele origin: germline.

Blueprint Genetics
Classification: Uncertain significance. Last evaluated: 2023-03-09. Review status: criteria provided, single submitter. Criteria: ACMG Guidelines, 2015. Collection method: clinical testing. Allele origin: germline.

Labcorp Genetics (formerly Invitae), Labcorp
Classification: Uncertain significance. Last evaluated: 2022-03-14. Review status: criteria provided, single submitter. Criteria: Invitae Variant Classification Sherloc (09022015). Collection method: clinical testing. Allele origin: germline.
Comment: This sequence change replaces arginine, which is basic and polar, with tryptophan, which is neutral and slightly polar, at codon 1727 of the MYO18B protein (p.Arg1727Trp). The frequency data for this variant in the population databases is considered unreliable, as metrics indicate poor data quality at this position in the gnomAD database. This variant has not been reported in the literature in individuals affected with MYO18B-related conditions. Algorithms developed to predict the effect of missense changes on protein structure and function are either unavailable or do not agree on the potential impact of this missense change (SIFT: "Not Available"; PolyPhen-2: "Probably Damaging"; Align-GVGD: "Not Available"). In summary, the available evidence is currently insufficient to determine the role of this variant in disease. Therefore, it has been classified as a Variant of Uncertain Significance.